The following is an entry in ClinVar:

ClinVar aggregate classification (germline): Conflicting classifications of pathogenicity. Review status: criteria provided, conflicting classifications (1 of 4 stars). 3 submissions from 3 submitters: Uncertain significance (1); Likely benign (2). Last evaluated 2025-11-24.

Conditions:
Cardiovascular phenotype. Identifiers: MedGen CN230736.
Myofibrillar myopathy 4. Also called: Zaspopathy (type). Identifiers: Orphanet 98912, MedGen C4721886, MONDO:0012277, OMIM 609452.

Allele frequency attached by ClinVar (database versions not stated): gnomAD 0.00005 and 0.00007; ExAC 0.00006; TOPMed 0.00006; ESP Exome Variant Server 0.00008.
gnomAD v4.1: 129 of 1,613,816 alleles (0.008%); highest among the groups gnomAD compares: South Asian, 0.0099%; no homozygotes.

Submissions (3):

Labcorp Genetics (formerly Invitae), Labcorp
Classification: Likely benign for Myofibrillar myopathy 4. Last evaluated: 2025-11-24. Review status: criteria provided, single submitter. Criteria: Invitae Variant Classification Sherloc (09022015). Collection method: clinical testing. Allele origin: germline.

GeneDx
Classification: Uncertain significance. Last evaluated: 2024-02-06. Review status: criteria provided, single submitter. Criteria: GeneDx Variant Classification Process June 2021. Collection method: clinical testing. Allele origin: germline. Affected: yes.
Comment: Has not been previously published as pathogenic or benign to our knowledge; In silico analysis is inconclusive as to whether the variant alters gene splicing. In the absence of RNA/functional studies, the actual effect of this sequence change is unknown.

Ambry Genetics
Classification: Likely benign for Cardiovascular phenotype. Last evaluated: 2021-01-05. Review status: criteria provided, single submitter. Criteria: Ambry Variant Classification Scheme 2023. Collection method: clinical testing. Allele origin: germline.

NM_007078.3(LDB3):c.2073C>T (p.His691=)

Gene: LDB3 (LIM domain binding 3; plus strand). Cytogenetic location: 10q23.2.
Variant type: single nucleotide variant.
Coding change: c.2073C>T on transcript NM_007078.3 (MANE Select); coding-DNA position 2073, C replaced by T.
Protein change: p.His691=; no amino-acid change (histidine 691 retained).
Molecular consequence: synonymous variant.
Genome position (GRCh38, 1-based): chr10:86,726,231, C>T. VCF-style: chr10-86726231-C-T. GRCh37 (hg19) VCF-style: chr10-88485988-C-T.
Other names: c.*26857C>T (NM_001080116.1); c.1743C>T, p.His581= (NM_001080114.2); c.2088C>T, p.His696= (NM_001171610.2); c.1884C>T, p.His628= (NM_001368064.1, NM_001368065.1); c.1932C>T, p.His644= (NM_001368066.1); c.2073C>T (NM_007078.2).
Identifiers: ClinVar variation 464288 (VCV000464288.15), dbSNP rs45486293, ClinGen allele CA5585310.